The following is an entry in ClinVar:

ClinVar aggregate classification (germline): Conflicting classifications of pathogenicity. Review status: criteria provided, conflicting classifications (1 of 4 stars). 2 submissions from 2 submitters: Uncertain significance (1); Benign (1). Last evaluated 2024-03-20.

Conditions:
Inborn genetic diseases. Identifiers: MedGen C0950123, MeSH D030342.
Skeletal overgrowth-craniofacial dysmorphism-hyperelastic skin-white matter lesions syndrome. Also called: SKELETAL OVERGROWTH WITH FACIAL DYSMORPHISM, HYPERELASTIC SKIN, WHITE MATTER LESIONS, AND NEUROLOGIC DETERIORATION; Kosaki overgrowth syndrome. Identifiers: Orphanet 477831, MedGen C4225270, MONDO:0014704, OMIM 616592.
Infantile myofibromatosis (IMF). Also called: Congenital generalized fibromatosis. Identifiers: Orphanet 2591, MedGen C0432284, MONDO:0016824.
Basal ganglia calcification, idiopathic, 4 (PFBC4). Also called: Familial Idiopathic Basal Ganglia Calcification 4; PRIMARY FAMILIAL BRAIN CALCIFICATION 4, AUTOSOMAL DOMINANT. Identifiers: Orphanet 1980, MedGen C3554321, MONDO:0014004, OMIM 615007.
Acroosteolysis-keloid-like lesions-premature aging syndrome. Also called: Premature aging syndrome, Penttinen type; Prematurely aged appearance, delayed bone maturation, acro-osteolysis, and brachydactyly; Progeroid syndrome, Penttinen type. Identifiers: Orphanet 363665, MedGen C1866182, MONDO:0011150, OMIM 601812.

Allele frequency attached by ClinVar (database versions not stated): ExAC 0.00002; gnomAD 0.00004; TOPMed 0.00007; gnomAD exomes 0.00001.
gnomAD v4.1: 26 of 1,613,460 alleles (0.0016%); highest among the groups gnomAD compares: African/African-American, 0.011%; no homozygotes.

Submissions (2):

Labcorp Genetics (formerly Invitae), Labcorp
Classification: Benign for Basal ganglia calcification, idiopathic, 4; Skeletal overgrowth-craniofacial dysmorphism-hyperelastic skin-white matter lesions syndrome; Infantile myofibromatosis; Acroosteolysis-keloid-like lesions-premature aging syndrome. Last evaluated: 2024-03-20. Review status: criteria provided, single submitter. Criteria: Invitae Variant Classification Sherloc (09022015). Collection method: clinical testing. Allele origin: germline.

Ambry Genetics
Classification: Uncertain significance for Inborn genetic diseases. Last evaluated: 2021-04-07. Review status: criteria provided, single submitter. Criteria: Ambry Variant Classification Scheme 2023. Collection method: clinical testing. Allele origin: germline.
Comment: The c.5G>A (p.R2Q) alteration is located in exon 2 (coding exon 1) of the PDGFRB gene. This alteration results from a G to A substitution at nucleotide position 5, causing the arginine (R) at amino acid position 2 to be replaced by a glutamine (Q). The p.R2Q alteration is predicted to be tolerated by in silico analysis. Based on insufficient or conflicting evidence, the clinical significance of this alteration remains unclear.

NM_002609.4(PDGFRB):c.5G>A (p.Arg2Gln)

Gene: PDGFRB (platelet derived growth factor receptor beta; minus strand). Cytogenetic location: 5q32.
Variant type: single nucleotide variant.
Coding change: c.5G>A on transcript NM_002609.4 (MANE Select); coding-DNA position 5, G replaced by A.
Protein change: p.Arg2Gln; replaces arginine 2 with glutamine.
Molecular consequence: missense variant. On other transcripts: 5 prime UTR variant (1), intron variant (1).
Genome position (GRCh38, 1-based): chr5:150,137,043, C>T on the plus strand (G>A on the coding strand, the complement: PDGFRB is on the minus strand). VCF-style: chr5-150137043-C-T. GRCh37 (hg19) VCF-style: chr5-149516606-C-T.
Other names: c.-513G>A (NM_001355017.2); c.-152-1165G>A (NM_001355016.2); short protein forms R2Q.
Identifiers: ClinVar variation 3210845 (VCV003210845.3), dbSNP rs372399976, ClinGen allele CA3508464.